The following is an entry in ClinVar:

NM_001365951.3(KIF1B):c.3361G>A (p.Val1121Ile)

Gene: KIF1B (kinesin family member 1B; plus strand). Cytogenetic location: 1p36.22.
Variant type: single nucleotide variant.
Coding change: c.3361G>A on transcript NM_001365951.3 (MANE Select); coding-DNA position 3361, G replaced by A.
Protein change: p.Val1121Ile; replaces valine 1121 with isoleucine.
Molecular consequence: missense variant.
Genome position (GRCh38, 1-based): chr1:10,337,472, G>A. VCF-style: chr1-10337472-G-A. GRCh37 (hg19) VCF-style: chr1-10397530-G-A.
Other names: c.3361G>A, p.Val1121Ile (NM_001365952.1); c.3223G>A, p.Val1075Ile (NM_015074.3); short protein forms V1075I, V1121I.
Identifiers: ClinVar variation 2625132 (VCV002625132.2), dbSNP rs1652222292, ClinGen allele CA338340597.

ClinVar aggregate classification (germline): Uncertain significance (1 of 4 stars; one submission).

Submission:

Ambry Genetics
Classification: Uncertain significance. Last evaluated: 2023-09-11. Review status: criteria provided, single submitter. Criteria: Ambry Variant Classification Scheme 2023. Collection method: clinical testing. Allele origin: germline.
Comment: The p.V1075I variant (also known as c.3223G>A), located in coding exon 28 of the KIF1B gene, results from a G to A substitution at nucleotide position 3223. The valine at codon 1075 is replaced by isoleucine, an amino acid with highly similar properties. This amino acid position is conserved. In addition, the in silico prediction for this alteration is inconclusive. Since supporting evidence is limited at this time, the clinical significance of this alteration remains unclear.